The following is an entry in ClinVar:

NM_006182.4(DDR2):c.1045C>T (p.Gln349Ter)

Gene: DDR2 (discoidin domain receptor tyrosine kinase 2; plus strand). Cytogenetic location: 1q23.3.
Variant type: single nucleotide variant.
Coding change: c.1045C>T on transcript NM_006182.4 (MANE Select); coding-DNA position 1045, C replaced by T.
Protein change: p.Gln349Ter; replaces glutamine 349 with a stop codon.
Molecular consequence: nonsense.
Genome position (GRCh38, 1-based): chr1:162,761,400, C>T. VCF-style: chr1-162761400-C-T. GRCh37 (hg19) VCF-style: chr1-162731190-C-T.
Other names: c.1045C>T, p.Gln349Ter (NM_001014796.3, NM_001354982.2, NM_001354983.2); short protein forms Q349*.
Identifiers: ClinVar variation 2145047 (VCV002145047.1), dbSNP rs2102156036, ClinGen allele CA343409749.

ClinVar aggregate classification (germline): Pathogenic (1 of 4 stars; one submission).

Submission:

Labcorp Genetics (formerly Invitae), Labcorp
Classification: Pathogenic. Last evaluated: 2022-06-28. Review status: criteria provided, single submitter. Criteria: Invitae Variant Classification Sherloc (09022015). Collection method: clinical testing. Allele origin: germline.
Comment: This sequence change creates a premature translational stop signal (p.Gln349*) in the DDR2 gene. It is expected to result in an absent or disrupted protein product. Loss-of-function variants in DDR2 are known to be pathogenic (PMID: 11375938, 29884795). This variant is not present in population databases (gnomAD no frequency). This variant has not been reported in the literature in individuals affected with DDR2-related conditions. For these reasons, this variant has been classified as Pathogenic.

Literature cited by the submitters: PubMed 11375938; PubMed 29884795.